The following is an entry in ClinVar:

ClinVar aggregate classification (germline): Likely benign. Review status: criteria provided, multiple submitters, no conflicts (2 of 4 stars). 3 submissions from 3 submitters: Likely benign (3). Last evaluated 2023-02-01.

Allele frequency attached by ClinVar (database versions not stated): 1000 Genomes Project 0.00200; 1000 Genomes Project 30x 0.00281; ESP Exome Variant Server 0.00569; TOPMed 0.00570; gnomAD exomes 0.00571 and 0.00852; ExAC 0.00593; gnomAD 0.00597 and 0.00610.

Submissions (3):

CeGaT Center for Human Genetics Tuebingen
Classification: Likely benign. Last evaluated: 2023-02-01. Review status: criteria provided, single submitter. Criteria: CeGaT Center For Human Genetics Tuebingen Variant Classification Criteria Version 2. Collection method: clinical testing. Allele origin: germline. Affected: yes. Observed: 2 variant alleles.
Comment: SETDB1: BP4, BS2

Labcorp Genetics (formerly Invitae), Labcorp
Classification: Likely benign. Last evaluated: 2019-12-31. Review status: criteria provided, single submitter. Criteria: Invitae Variant Classification Sherloc (09022015). Collection method: clinical testing. Allele origin: germline.

Breakthrough Genomics
Classification: Likely benign. Review status: criteria provided, single submitter. Criteria: ACMG Guidelines, 2015. Collection method: not provided. Allele origin: germline. Inheritance: Unknown mechanism. Affected: yes.

NM_001366418.1(SETDB1):c.261-3T>C

Gene: SETDB1 (SET domain bifurcated histone lysine methyltransferase 1; plus strand). Cytogenetic location: 1q21.3.
Variant type: single nucleotide variant.
Coding change: c.261-3T>C on transcript NM_001366418.1 (MANE Select); 3 bases into the intron before coding-DNA position 261, T replaced by C.
Molecular consequence: intron variant.
Genome position (GRCh38, 1-based): chr1:150,929,964, T>C. VCF-style: chr1-150929964-T-C. GRCh37 (hg19) VCF-style: chr1-150902440-T-C.
Other names: c.261-3T>C (NM_001366417.1, NM_001145415.2, NM_012432.4 and 1 more transcripts).
Identifiers: ClinVar variation 779065 (VCV000779065.29), dbSNP rs138878430, ClinGen allele CA1081493.
Genomic context (GRCh38, chr1:150,929,964, plus strand): 5'-GGATTCTATATCTCTTAATTCCTCTACTGGCTTTGACCTTTTCTGCATGTGTTCCAATAT[T>C]AGGGCAGTGACTAATTGTGAGTCTTTGGTGAAGGACTTCTACTCCAAGCTGGGACTACAA-3'